The following is an entry in ClinVar:

ClinVar aggregate classification (germline): Uncertain significance. Review status: criteria provided, multiple submitters, no conflicts (2 of 4 stars). 4 submissions from 4 submitters: Uncertain significance (4). Last evaluated 2025-08-31.

Conditions:
Inborn genetic diseases. Identifiers: MedGen C0950123, MeSH D030342.

gnomAD v4.1: 33 of 1,562,992 alleles (0.0021%); highest among the groups gnomAD compares: Non-Finnish European, 0.0027%; no homozygotes.

Submissions (4):

Ambry Genetics
Classification: Uncertain significance for Inborn genetic diseases. Last evaluated: 2025-08-31. Review status: criteria provided, single submitter. Criteria: Ambry Variant Classification Scheme 2023. Collection method: clinical testing. Allele origin: germline.

Labcorp Genetics (formerly Invitae), Labcorp
Classification: Uncertain significance. Last evaluated: 2025-05-30. Review status: criteria provided, single submitter. Criteria: Invitae Variant Classification Sherloc (09022015). Collection method: clinical testing. Allele origin: germline.
Comment: This sequence change replaces glycine, which is neutral and non-polar, with arginine, which is basic and polar, at codon 1386 of the ANKRD26 protein (p.Gly1386Arg). This variant is present in population databases (rs527974176, gnomAD 0.005%). This variant has not been reported in the literature in individuals affected with ANKRD26-related conditions. ClinVar contains an entry for this variant (Variation ID: 3395084). An algorithm developed to predict the effect of missense changes on protein structure and function (PolyPhen-2) suggests that this variant is likely to be disruptive. Algorithms developed to predict the effect of sequence changes on RNA splicing suggest that this variant may disrupt the consensus splice site. In summary, the available evidence is currently insufficient to determine the role of this variant in disease. Therefore, it has been classified as a Variant of Uncertain Significance.

Blueprint Genetics
Classification: Uncertain significance. Last evaluated: 2024-09-23. Review status: criteria provided, single submitter. Criteria: ACMG Guidelines, 2015. Collection method: clinical testing. Allele origin: germline.

GeneDx
Classification: Uncertain significance. Last evaluated: 2024-08-09. Review status: criteria provided, single submitter. Criteria: GeneDx Variant Classification Process June 2021. Collection method: clinical testing. Allele origin: germline. Affected: yes.
Comment: Not observed at significant frequency in large population cohorts (gnomAD); In silico analysis supports that this missense variant has a deleterious effect on protein structure/function; Has not been previously published as pathogenic or benign to our knowledge

NM_014915.3(ANKRD26):c.4156G>A (p.Gly1386Arg)

Gene: ANKRD26 (ankyrin repeat domain 26; minus strand). Cytogenetic location: 10p12.1.
Variant type: single nucleotide variant.
Coding change: c.4156G>A on transcript NM_014915.3 (MANE Select); coding-DNA position 4156, G replaced by A.
Protein change: p.Gly1386Arg; replaces glycine 1386 with arginine.
Molecular consequence: missense variant.
Genome position (GRCh38, 1-based): chr10:27,022,617, C>T on the plus strand (G>A on the coding strand, the complement: ANKRD26 is on the minus strand). VCF-style: chr10-27022617-C-T. GRCh37 (hg19) VCF-style: chr10-27311546-C-T.
Other names: c.4153G>A, p.Gly1385Arg (NM_001256053.2); short protein forms G1385R, G1386R.
Identifiers: ClinVar variation 3395084 (VCV003395084.6).